The following is an entry in ClinVar:

NM_001267550.2(TTN):c.79109G>A (p.Gly26370Glu)

Genes: TTN (titin; minus strand), TTN-AS1 (TTN antisense RNA 1; plus strand). Cytogenetic location: 2q31.2.
Variant type: single nucleotide variant.
Coding change: c.79109G>A on transcript NM_001267550.2 (MANE Select); coding-DNA position 79109, G replaced by A.
Protein change: p.Gly26370Glu; replaces glycine 26370 with glutamic acid.
Molecular consequence: missense variant.
Genome position (GRCh38, 1-based): chr2:178,567,023, C>T on the plus strand (G>A on the coding strand, the complement: TTN is on the minus strand). VCF-style: chr2-178567023-C-T. GRCh37 (hg19) VCF-style: chr2-179431750-C-T.
Other names: c.71405G>A, p.Gly23802Glu (NM_133378.4); c.74186G>A, p.Gly24729Glu (NM_001256850.1); c.51914G>A, p.Gly17305Glu (NM_003319.4); c.52289G>A, p.Gly17430Glu (NM_133432.3); c.52490G>A, p.Gly17497Glu (NM_133437.4); short protein forms G23802E, G26370E, G17430E, G17497E, G24729E, G17305E.
Identifiers: ClinVar variation 179697 (VCV000179697.7), dbSNP rs727505061, ClinGen allele CA184948.

ClinVar aggregate classification (germline): Uncertain significance. Review status: criteria provided, multiple submitters, no conflicts (2 of 4 stars). 3 submissions from 3 submitters: Uncertain significance (3). Last evaluated 2024-04-26.

Conditions:
Cardiovascular phenotype. Identifiers: MedGen CN230736.
Autosomal recessive limb-girdle muscular dystrophy type 2J (LGMDR10). Also called: MUSCULAR DYSTROPHY, LIMB-GIRDLE, AUTOSOMAL RECESSIVE 10; Limb-girdle muscular dystrophy, type 2J. Identifiers: Orphanet 140922, MedGen C1837342, MONDO:0012127, OMIM 608807.
Tibial muscular dystrophy (TMD). Also called: Tibial muscular dystrophy, tardive; Udd Distal Myopathy – Tibial Muscular Dystrophy; UDD MYOPATHY. Identifiers: Orphanet 609, MedGen C1838244, MONDO:0010870, OMIM 600334.
Myopathy, myofibrillar, 9, with early respiratory failure (MFM9). Also called: Myopathy, distal, with early respiratory failure, autosomal dominant; EDSTROM MYOPATHY; MYOPATHY, PROXIMAL, WITH EARLY RESPIRATORY MUSCLE INVOLVEMENT; Hereditary myopathy with early respiratory failure. Identifiers: Orphanet 178464, Orphanet 34521, MedGen C1863599, MONDO:0011362, OMIM 603689.
Dilated cardiomyopathy 1G (CMD1G). Identifiers: Orphanet 154, MedGen C1858763, MONDO:0011400, OMIM 604145.
Early-onset myopathy with fatal cardiomyopathy (CMYO5). Also called: CONGENITAL MYOPATHY 5 WITH CARDIOMYOPATHY; Salih Myopathy. Identifiers: Orphanet 289377, MedGen C2673677, MONDO:0012714, OMIM 611705. Disease mechanism: loss of function.
Hypertrophic cardiomyopathy 9. Also called: Familial hypertrophic cardiomyopathy 9. Identifiers: MedGen C1861065, MONDO:0013412, OMIM 613765.

gnomAD v4.1: 6 of 1,613,594 alleles (0.00037%); highest among the groups gnomAD compares: Non-Finnish European, 0.00051%; no homozygotes.

Submissions (3):

Ambry Genetics
Classification: Uncertain significance for Cardiovascular phenotype. Last evaluated: 2024-04-26. Review status: criteria provided, single submitter. Criteria: Ambry Variant Classification Scheme 2023. Collection method: clinical testing. Allele origin: germline.
Comment: The c.51914G>A (p.G17305E) alteration is located in exon 154 (coding exon 153) of the TTN gene. This alteration results from a G to A substitution at nucleotide position 51914, causing the glycine (G) at amino acid position 17305 to be replaced by a glutamic acid (E). for autosomal recessive TTN-related skeletal myopathy; however, it is unlikely to be causative of autosomal dominant TTN-related dilated cardiomyopathy. This variant was not reported in population-based cohorts in the Genome Aggregation Database (gnomAD). This amino acid position is highly conserved in available vertebrate species. This exon is located in the A-band region of the N2-B isoform of the titin protein and is constitutively expressed in TTN transcripts (percent spliced in or PSI 100%). The in silico prediction for this alteration is inconclusive. Based on insufficient or conflicting evidence, the clinical significance of this alteration remains unclear.

Fulgent Genetics
Classification: Uncertain significance for Tibial muscular dystrophy; Myopathy, myofibrillar, 9, with early respiratory failure; Dilated cardiomyopathy 1G; Autosomal recessive limb-girdle muscular dystrophy type 2J; Early-onset myopathy with fatal cardiomyopathy; Hypertrophic cardiomyopathy 9. Last evaluated: 2021-11-01. Review status: criteria provided, single submitter. Criteria: ACMG Guidelines, 2015. Collection method: clinical testing. Allele origin: unknown.

Laboratory for Molecular Medicine, Mass General Brigham Personalized Medicine
Classification: Uncertain significance. Last evaluated: 2014-04-16. Review status: criteria provided, single submitter. Criteria: LMM Criteria. Collection method: clinical testing. Allele origin: germline. Observed: 1 variant allele.
Comment: The Gly23802Glu variant in TTN has not been reported in individuals with cardiom yopathy or in large population studies. Computational prediction tools and conse rvation analysis do not provide strong support for or against an impact to the p rotein. Additional information is needed to fully assess the clinical significa nce of the Gly23802Glu variant.